The following is an entry in ClinVar:

NM_001042492.3(NF1):c.5113A>G (p.Arg1705Gly)

Gene: NF1 (neurofibromin 1; plus strand). Cytogenetic location: 17q11.2.
Variant type: single nucleotide variant.
Coding change: c.5113A>G on transcript NM_001042492.3 (MANE Select); coding-DNA position 5113, A replaced by G.
Protein change: p.Arg1705Gly; replaces arginine 1705 with glycine.
Molecular consequence: missense variant.
Genome position (GRCh38, 1-based): chr17:31,326,097, A>G. VCF-style: chr17-31326097-A-G. GRCh37 (hg19) VCF-style: chr17-29653115-A-G.
Other names: c.5050A>G, p.Arg1684Gly (NM_000267.4); short protein forms R1684G, R1705G.
Identifiers: ClinVar variation 2103729 (VCV002103729.4), dbSNP rs2151538529, ClinGen allele CA399007663.

ClinVar aggregate classification (germline): Uncertain significance (1 of 4 stars; one submission).

Conditions:
Neurofibromatosis, type 1 (NF1). Also called: Peripheral type neurofibromatosis; NEUROFIBROMATOSIS, TYPE I, SOMATIC; VON RECKLINGHAUSEN DISEASE; Neurofibromatosis, type I. Identifiers: Orphanet 636, MedGen C0027831, MONDO:0018975, OMIM 162200. Disease mechanism: loss of function.

Submission:

Labcorp Genetics (formerly Invitae), Labcorp
Classification: Uncertain significance for Neurofibromatosis, type 1. Last evaluated: 2022-02-26. Review status: criteria provided, single submitter. Criteria: Invitae Variant Classification Sherloc (09022015). Collection method: clinical testing. Allele origin: germline.
Comment: In summary, the available evidence is currently insufficient to determine the role of this variant in disease. Therefore, it has been classified as a Variant of Uncertain Significance. Algorithms developed to predict the effect of missense changes on protein structure and function (SIFT, PolyPhen-2, Align-GVGD) all suggest that this variant is likely to be tolerated. This variant has not been reported in the literature in individuals affected with NF1-related conditions. This variant is not present in population databases (gnomAD no frequency). This sequence change replaces arginine, which is basic and polar, with glycine, which is neutral and non-polar, at codon 1684 of the NF1 protein (p.Arg1684Gly).